The following is an entry in ClinVar:

NM_015335.5(MED13L):c.1336C>T (p.Gln446Ter)

Gene: MED13L (mediator complex subunit 13L; minus strand). Cytogenetic location: 12q24.21.
Variant type: single nucleotide variant.
Coding change: c.1336C>T on transcript NM_015335.5 (MANE Select); coding-DNA position 1336, C replaced by T.
Protein change: p.Gln446Ter; replaces glutamine 446 with a stop codon.
Molecular consequence: nonsense.
Genome position (GRCh38, 1-based): chr12:116,009,077, G>A on the plus strand (C>T on the coding strand, the complement: MED13L is on the minus strand). VCF-style: chr12-116009077-G-A. GRCh37 (hg19) VCF-style: chr12-116446882-G-A.
Other names: short protein forms Q446*.
Identifiers: ClinVar variation 280267 (VCV000280267.2), dbSNP rs886041503, ClinGen allele CA10603237.

ClinVar aggregate classification (germline): Pathogenic (1 of 4 stars; one submission).

Submission:

GeneDx
Classification: Pathogenic. Last evaluated: 2016-01-28. Review status: criteria provided, single submitter. Criteria: GeneDx Variant Classification (06012015). Collection method: clinical testing. Allele origin: germline. Affected: yes.
Comment: The Q446X pathogenic variant in the MED13L gene has not been reported previously as a pathogenic variant nor as a benign variant, to our knowledge. This variant is predicted to cause loss of normal protein function either through protein truncation or nonsense-mediated mRNA decay. The Q446X variant was not observed in approximately 6500 individuals of European and African American ancestry in the NHLBI Exome Sequencing Project, indicating it is not a common benign variant in these populations. We interpret Q446X as a pathogenic variant.